The following is an entry in ClinVar:

NM_015087.5(SPART):c.149T>C (p.Ile50Thr)

Gene: SPART (spartin; minus strand). Cytogenetic location: 13q13.3.
Variant type: single nucleotide variant.
Coding change: c.149T>C on transcript NM_015087.5 (MANE Select); coding-DNA position 149, T replaced by C.
Protein change: p.Ile50Thr; replaces isoleucine 50 with threonine.
Molecular consequence: missense variant.
Genome position (GRCh38, 1-based): chr13:36,335,682, A>G on the plus strand (T>C on the coding strand, the complement: SPART is on the minus strand). VCF-style: chr13-36335682-A-G. GRCh37 (hg19) VCF-style: chr13-36909819-A-G.
Other names: c.149T>C, p.Ile50Thr (NM_001142294.2, NM_001142295.2, NM_001142296.2); c.149T>C (NM_015087.4); short protein forms I50T.
Identifiers: ClinVar variation 2063326 (VCV002063326.5), dbSNP rs540649727, ClinGen allele CA6949685.

ClinVar aggregate classification (germline): Uncertain significance. Review status: criteria provided, multiple submitters, no conflicts (2 of 4 stars). 2 submissions from 2 submitters: Uncertain significance (2). Last evaluated 2024-08-28.

Conditions:
Inborn genetic diseases. Identifiers: MedGen C0950123, MeSH D030342.

Allele frequency attached by ClinVar (database versions not stated): 1000 Genomes Project 30x 0.00016; gnomAD 0.00001; 1000 Genomes Project 0.00020; ExAC 0.00001.
gnomAD v4.1: 1 of 1,614,072 alleles (0.000062%); highest among the groups gnomAD compares: East Asian, 0.0022%; no homozygotes.

Submissions (2):

Ambry Genetics
Classification: Uncertain significance for Inborn genetic diseases. Last evaluated: 2024-08-28. Review status: criteria provided, single submitter. Criteria: Ambry Variant Classification Scheme 2023. Collection method: clinical testing. Allele origin: germline.

Labcorp Genetics (formerly Invitae), Labcorp
Classification: Uncertain significance. Last evaluated: 2022-10-25. Review status: criteria provided, single submitter. Criteria: Invitae Variant Classification Sherloc (09022015). Collection method: clinical testing. Allele origin: germline.
Comment: In summary, the available evidence is currently insufficient to determine the role of this variant in disease. Therefore, it has been classified as a Variant of Uncertain Significance. Advanced modeling of protein sequence and biophysical properties (such as structural, functional, and spatial information, amino acid conservation, physicochemical variation, residue mobility, and thermodynamic stability) performed at Invitae indicates that this missense variant is not expected to disrupt SPART protein function. This variant has not been reported in the literature in individuals affected with SPART-related conditions. This variant is present in population databases (rs540649727, gnomAD 0.006%). This sequence change replaces isoleucine, which is neutral and non-polar, with threonine, which is neutral and polar, at codon 50 of the SPART protein (p.Ile50Thr).